The following is an entry in ClinVar:

NM_000827.4(GRIA1):c.157C>T (p.Pro53Ser)

Gene: GRIA1 (glutamate ionotropic receptor AMPA type subunit 1; plus strand). Cytogenetic location: 5q33.2.
Variant type: single nucleotide variant.
Coding change: c.157C>T on transcript NM_000827.4 (MANE Select); coding-DNA position 157, C replaced by T.
Protein change: p.Pro53Ser; replaces proline 53 with serine.
Molecular consequence: missense variant. On other transcripts: 5 prime UTR variant (3), non-coding transcript variant (1).
Genome position (GRCh38, 1-based): chr5:153,494,002, C>T. VCF-style: chr5-153494002-C-T. GRCh37 (hg19) VCF-style: chr5-152873562-C-T.
Other names: c.157C>T, p.Pro53Ser (NM_001114183.2, NM_001258019.2, NM_001364165.2); c.-186C>T (NM_001258020.2); c.187C>T, p.Pro63Ser (NM_001258021.2, NM_001258022.2); c.-51C>T (NM_001258023.1, NM_001364167.2); c.184C>T, p.Pro62Ser (NM_001364166.2); short protein forms P53S, P62S, P63S.
Identifiers: ClinVar variation 2444400 (VCV002444400.1), dbSNP rs2532320830, ClinGen allele CA362001453.
Genomic context (GRCh38, chr5:153,494,002, plus strand): 5'-AACCAGCAGTCACAGGAACATGCTGCTTTTAGATTTGCTTTGTCGCAACTCACAGAGCCC[C>T]CGAAGCTGCTCCCCCAGATTGATATTGTGAACATCAGCGACAGCTTTGAGATGACCTATA-3'
Protein context (NP_000818.2, residues 43-63): RFALSQLTEP[Pro53Ser]KLLPQIDIVN

ClinVar aggregate classification (germline): Uncertain significance (1 of 4 stars; one submission).

Conditions:
Intellectual developmental disorder, autosomal dominant 67 (MRD67). Also called: MENTAL RETARDATION, AUTOSOMAL DOMINANT 67. Identifiers: MedGen C5677006, MONDO:0030964, OMIM 619927.

Submission:

3billion
Classification: Uncertain significance for Intellectual developmental disorder, autosomal dominant 67. Last evaluated: 2023-02-23. Review status: criteria provided, single submitter. Criteria: ACMG Guidelines, 2015. Collection method: clinical testing. Allele origin: unknown. Affected: yes.
Comment: The variant is not observed in the gnomAD v2.1.1 dataset. In silico tool predictions suggest damaging effect of the variant on gene or gene product (3Cnet: 0.94). Therefore, this variant is classified as VUS according to the recommendation of ACMG/AMP guideline.